The following is an entry in ClinVar:

NM_001042492.3(NF1):c.5391_5393dup (p.Asn1797_Gln1798insHis)

Gene: NF1 (neurofibromin 1; plus strand). Cytogenetic location: 17q11.2.
Variant type: Duplication.
Coding change: c.5391_5393dup on transcript NM_001042492.3 (MANE Select); coding-DNA positions 5391 to 5393, 3 bases duplicated (CCA; older notation c.5391_5393dupCCA).
Protein change: p.Asn1797_Gln1798insHis.
Molecular consequence: inframe insertion. On other transcripts: inframe indel (1).
Genome position (GRCh38, 1-based): chr17:31,327,621-31,327,623, CCA duplicated; duplicating any 3 consecutive bases within chr17:31,327,620-31,327,623 gives the same sequence; the c. name uses the placement nearest the transcript's 3' end. VCF-style (leftmost placement, unchanged base first): chr17-31327619-A-AACC. GRCh37 (hg19) VCF-style: chr17-29654637-A-AACC.
Other names: c.5328_5330dupCCA (NM_000267.3); c.5328_5330dup, p.Asn1776_Gln1777insHis (NM_000267.4).
Identifiers: ClinVar variation 1746849 (VCV001746849.5), dbSNP rs2508706311, ClinGen allele CA2580093284.

ClinVar aggregate classification (germline): Uncertain significance. Review status: criteria provided, multiple submitters, no conflicts (2 of 4 stars). 2 submissions from 2 submitters: Uncertain significance (2). Last evaluated 2023-10-22.

Conditions:
Cardiovascular phenotype. Identifiers: MedGen CN230736.
Hereditary cancer-predisposing syndrome. Also called: Neoplastic Syndromes, Hereditary; Tumor predisposition; Hereditary Cancer Syndrome; Hereditary neoplastic syndrome. Identifiers: Orphanet 140162, MedGen C0027672, MeSH D009386, MONDO:0015356.
Neurofibromatosis, type 1 (NF1). Also called: VON RECKLINGHAUSEN DISEASE; NEUROFIBROMATOSIS, TYPE I, SOMATIC; Neurofibromatosis, type I; Peripheral type neurofibromatosis. Identifiers: Orphanet 636, MedGen C0027831, MONDO:0018975, OMIM 162200. Disease mechanism: loss of function.

Submissions (2):

Labcorp Genetics (formerly Invitae), Labcorp
Classification: Uncertain significance for Neurofibromatosis, type 1. Last evaluated: 2023-10-22. Review status: criteria provided, single submitter. Criteria: Invitae Variant Classification Sherloc (09022015). Collection method: clinical testing. Allele origin: germline.
Comment: This variant, c.5328_5330dup, results in the insertion of 1 amino acid(s) of the NF1 protein (p.Asn1776_Gln1777insHis), but otherwise preserves the integrity of the reading frame. This variant is not present in population databases (gnomAD no frequency). This variant has not been reported in the literature in individuals affected with NF1-related conditions. ClinVar contains an entry for this variant (Variation ID: 1746849). In summary, the available evidence is currently insufficient to determine the role of this variant in disease. Therefore, it has been classified as a Variant of Uncertain Significance.

Ambry Genetics
Classification: Uncertain significance for Cardiovascular phenotype; Hereditary cancer-predisposing syndrome. Last evaluated: 2022-06-01. Review status: criteria provided, single submitter. Criteria: Ambry Variant Classification Scheme 2023. Collection method: clinical testing. Allele origin: germline.
Comment: The c.5328_5330dupCCA variant (also known as p.N1776_Q1777insH), located in coding exon 37 of the NF1 gene, results from an in-frame duplication of CCA at nucleotide positions 5328 to 5330. This results in the insertion of a histidine residue between codons 1776 and 1777. This amino acid position is highly conserved in available vertebrate species. In addition, this alteration is predicted to be deleterious by in silico analysis (Choi Y et al. PLoS ONE. 2012; 7(10):e46688). Since supporting evidence is limited at this time, the clinical significance of this alteration remains unclear.